The following is an entry in ClinVar:

NM_001042545.2(LTBP4):c.4208G>A (p.Arg1403His)

Gene: LTBP4 (latent transforming growth factor beta binding protein 4; plus strand). Cytogenetic location: 19q13.2.
Variant type: single nucleotide variant.
Coding change: c.4208G>A on transcript NM_001042545.2 (MANE Select); coding-DNA position 4208, G replaced by A.
Protein change: p.Arg1403His; replaces arginine 1403 with histidine.
Molecular consequence: missense variant.
Genome position (GRCh38, 1-based): chr19:40,627,197, G>A. VCF-style: chr19-40627197-G-A. GRCh37 (hg19) VCF-style: chr19-41133102-G-A.
Other names: c.4409G>A, p.Arg1470His (NM_001042544.1); c.4298G>A, p.Arg1433His (NM_003573.2); short protein forms R1433H, R1403H, R1470H.
Identifiers: ClinVar variation 680862 (VCV000680862.13), dbSNP rs201290427, ClinGen allele CA9449261.

ClinVar aggregate classification (germline): Benign/Likely benign. Review status: criteria provided, multiple submitters, no conflicts (2 of 4 stars). 4 submissions from 4 submitters: Benign (1); Likely benign (3). Last evaluated 2026-01-28.

Conditions:
LTBP4-related disorder. Also called: LTBP4-related condition.

Allele frequency attached by ClinVar (database versions not stated): ExAC 0.00094; gnomAD 0.00023 and 0.00027; TOPMed 0.00039; 1000 Genomes Project 0.00060; gnomAD exomes 0.00076; 1000 Genomes Project 30x 0.00078.

Submissions (4):

Labcorp Genetics (formerly Invitae), Labcorp
Classification: Benign. Last evaluated: 2026-01-28. Review status: criteria provided, single submitter. Criteria: Invitae Variant Classification Sherloc (09022015). Collection method: clinical testing. Allele origin: germline.

PreventionGenetics, part of Exact Sciences
Classification: Likely benign for LTBP4-related condition. Last evaluated: 2025-07-15. Review status: criteria provided, single submitter. Criteria: ACMG Guidelines, 2015. Collection method: clinical testing. Allele origin: germline.
Comment: This variant is classified as likely benign based on ACMG/AMP sequence variant interpretation guidelines (Richards et al. 2015 PMID: 25741868, with internal and published modifications).

GeneDx
Classification: Likely benign. Last evaluated: 2021-02-18. Review status: criteria provided, single submitter. Criteria: GeneDx Variant Classification Process June 2021. Collection method: clinical testing. Allele origin: germline. Affected: yes.

Breakthrough Genomics
Classification: Likely benign. Review status: criteria provided, single submitter. Criteria: ACMG Guidelines, 2015. Collection method: not provided. Allele origin: germline. Inheritance: Autosomal recessive inheritance. Affected: yes.